The following is an entry in ClinVar:

NM_001613.4(ACTA2):c.305A>C (p.Glu102Ala)

Gene: ACTA2 (actin alpha 2, smooth muscle; minus strand). Cytogenetic location: 10q23.31.
Variant type: single nucleotide variant.
Coding change: c.305A>C on transcript NM_001613.4 (MANE Select); coding-DNA position 305, A replaced by C.
Protein change: p.Glu102Ala; replaces glutamic acid 102 with alanine.
Molecular consequence: missense variant.
Genome position (GRCh38, 1-based): chr10:88,943,861, T>G on the plus strand (A>C on the coding strand, the complement: ACTA2 is on the minus strand). VCF-style: chr10-88943861-T-G. GRCh37 (hg19) VCF-style: chr10-90703618-T-G.
Other names: c.305A>C, p.Glu102Ala (NM_001141945.3, NM_001320855.2, NM_001406462.1 and 3 more transcripts); c.176A>C, p.Glu59Ala (NM_001406467.1, NM_001406468.1, NM_001406469.1); short protein forms E102A, E59A.
Identifiers: ClinVar variation 2419980 (VCV002419980.7), dbSNP rs1473465595, ClinGen allele CA377512911.

ClinVar aggregate classification (germline): Uncertain significance (1 of 4 stars; one submission).

Conditions:
Aortic aneurysm, familial thoracic 6 (AAT6). Also called: FAMILIAL THORACIC AORTIC ANEURYSM WITH LIVEDO RETICULARIS AND IRIS FLOCCULI. Identifiers: MedGen C2673186, MONDO:0012730, OMIM 611788.

Allele frequency attached by ClinVar (database versions not stated): TOPMed below 0.00001; gnomAD 0.00001.
gnomAD v4.1: 1 of 1,613,804 alleles (0.000062%); highest among the groups gnomAD compares: Non-Finnish European, 0.000085%; no homozygotes.

Submission:

Labcorp Genetics (formerly Invitae), Labcorp
Classification: Uncertain significance for Aortic aneurysm, familial thoracic 6. Last evaluated: 2022-10-18. Review status: criteria provided, single submitter. Criteria: Invitae Variant Classification Sherloc (09022015). Collection method: clinical testing. Allele origin: germline.
Comment: This sequence change replaces glutamic acid, which is acidic and polar, with alanine, which is neutral and non-polar, at codon 102 of the ACTA2 protein (p.Glu102Ala). This variant is not present in population databases (gnomAD no frequency). This variant has not been reported in the literature in individuals affected with ACTA2-related conditions. Algorithms developed to predict the effect of missense changes on protein structure and function (SIFT, PolyPhen-2, Align-GVGD) all suggest that this variant is likely to be disruptive. In summary, the available evidence is currently insufficient to determine the role of this variant in disease. Therefore, it has been classified as a Variant of Uncertain Significance.